The following is an entry in ClinVar:

ClinVar aggregate classification (germline): Conflicting classifications of pathogenicity. Review status: criteria provided, conflicting classifications (1 of 4 stars). 4 submissions from 4 submitters: Uncertain significance (3); Likely benign (1). Last evaluated 2025-11-01.

Conditions:
Neurodevelopmental disorder with or without seizures and gait abnormalities. Identifiers: MedGen C4693391, MONDO:0060641, OMIM 617864.
Inborn genetic diseases. Identifiers: MedGen C0950123, MeSH D030342.

Allele frequency attached by ClinVar (database versions not stated): TOPMed 0.00001; ExAC 0.00002; gnomAD 0.00002; gnomAD exomes 0.00002; ESP Exome Variant Server 0.00008.

Submissions (4):

CeGaT Center for Human Genetics Tuebingen
Classification: Likely benign. Last evaluated: 2025-11-01. Review status: criteria provided, single submitter. Criteria: CeGaT Center For Human Genetics Tuebingen Variant Classification Criteria Version 2. Collection method: clinical testing. Allele origin: germline. Affected: yes. Observed: 1 variant allele.
Comment: GRIA4: PP3, BS2

Ambry Genetics
Classification: Uncertain significance for Inborn genetic diseases. Last evaluated: 2025-05-18. Review status: criteria provided, single submitter. Criteria: Ambry Variant Classification Scheme 2023. Collection method: clinical testing. Allele origin: germline.

Neuberg Centre For Genomic Medicine, NCGM
Classification: Uncertain significance for Neurodevelopmental disorder with or without seizures and gait abnormalities. Last evaluated: 2023-06-22. Review status: criteria provided, single submitter. Criteria: ACMG Guidelines, 2015. Collection method: clinical testing. Allele origin: germline. Inheritance: Autosomal dominant inheritance. Affected: yes.
Comment: The missense variant c.512T>C (p.Met171Thr) in the GRIA4 gene has not been reported previously as a pathogenic variant nor as a benign variant, to our knowledge. This variant is reported with the allele frequency (0.002%) in the gnomAD Exomes. This variant has been reported to the ClinVar database as Uncertain Significance. However, no details are available for independent assessment. The amino acid Met at position 171 is changed to a Thr changing protein sequence and it might alter its composition and physico-chemical properties. Multiple lines of computational evidence (Polyphen - Damaging, SIFT - Damaging and MutationTaster - Disease causing) predict a damaging effect on protein structure and function for this variant. The amino acid change p.Met171Thr in GRIA4 is predicted as conserved by GERP++ and PhyloP across 100 vertebrates. For these reasons, this variant has been classified as Uncertain Significance.

Revvity Omics, Revvity
Classification: Uncertain significance for Neurodevelopmental disorder with or without seizures and gait abnormalities. Last evaluated: 2022-12-01. Review status: criteria provided, single submitter. Criteria: ACMG Guidelines, 2015. Collection method: clinical testing. Allele origin: germline.

NM_000829.4(GRIA4):c.512T>C (p.Met171Thr)

Gene: GRIA4 (glutamate ionotropic receptor AMPA type subunit 4; plus strand). Cytogenetic location: 11q22.3.
Variant type: single nucleotide variant.
Coding change: c.512T>C on transcript NM_000829.4 (MANE Select); coding-DNA position 512, T replaced by C.
Protein change: p.Met171Thr; replaces methionine 171 with threonine.
Molecular consequence: missense variant. On other transcripts: non-coding transcript variant (1).
Genome position (GRCh38, 1-based): chr11:105,862,048, T>C. VCF-style: chr11-105862048-T-C. GRCh37 (hg19) VCF-style: chr11-105732774-T-C.
Other names: c.512T>C, p.Met171Thr (NM_001077243.3, NM_001077244.2, NM_001112812.2); short protein forms M171T.
Identifiers: ClinVar variation 2249233 (VCV002249233.14), dbSNP rs370731374, ClinGen allele CA6258417.